The following is an entry in ClinVar:

NM_144701.3(IL23R):c.955+3G>C

Gene: IL23R (interleukin 23 receptor; plus strand). Cytogenetic location: 1p31.3.
Variant type: single nucleotide variant.
Coding change: c.955+3G>C on transcript NM_144701.3 (MANE Select); 3 bases into the intron after coding-DNA position 955, G replaced by C.
Molecular consequence: intron variant.
Genome position (GRCh38, 1-based): chr1:67,219,733, G>C. VCF-style: chr1-67219733-G-C. GRCh37 (hg19) VCF-style: chr1-67685416-G-C.
Identifiers: ClinVar variation 2077375 (VCV002077375.4), dbSNP rs2525409956, ClinGen allele CA2580063188.

ClinVar aggregate classification (germline): Uncertain significance (1 of 4 stars; one submission).

Submission:

Labcorp Genetics (formerly Invitae), Labcorp
Classification: Uncertain significance. Last evaluated: 2022-01-07. Review status: criteria provided, single submitter. Criteria: Invitae Variant Classification Sherloc (09022015). Collection method: clinical testing. Allele origin: germline.
Comment: In summary, the available evidence is currently insufficient to determine the role of this variant in disease. Therefore, it has been classified as a Variant of Uncertain Significance. Variants that disrupt the consensus splice site are a relatively common cause of aberrant splicing (PMID: 17576681, 9536098). Algorithms developed to predict the effect of sequence changes on RNA splicing suggest that this variant may disrupt the consensus splice site. This variant has not been reported in the literature in individuals affected with IL23R-related conditions. This variant is not present in population databases (gnomAD no frequency). This sequence change falls in intron 7 of the IL23R gene. It does not directly change the encoded amino acid sequence of the IL23R protein. It affects a nucleotide within the consensus splice site.

Literature cited by the submitters: PubMed 17576681; PubMed 9536098.